The following is an entry in ClinVar:

ClinVar aggregate classification (germline): Uncertain significance (1 of 4 stars; one submission).

Submission:

GeneDx
Classification: Uncertain significance. Last evaluated: 2020-01-29. Review status: criteria provided, single submitter. Criteria: GeneDx Variant Classification Process June 2021. Collection method: clinical testing. Allele origin: germline. Affected: yes.
Comment: Not observed in large population cohorts (Lek et al., 2016); In silico analysis, which includes protein predictors and evolutionary conservation, supports that this variant does not alter protein structure/function; Has not been previously published as pathogenic or benign to our knowledge

NM_031407.7(HUWE1):c.7062G>C (p.Glu2354Asp)

Gene: HUWE1 (HECT, UBA and WWE domain containing E3 ubiquitin protein ligase 1; minus strand). Cytogenetic location: Xp11.22.
Variant type: single nucleotide variant.
Coding change: c.7062G>C on transcript NM_031407.7 (MANE Select); coding-DNA position 7062, G replaced by C.
Protein change: p.Glu2354Asp; replaces glutamic acid 2354 with aspartic acid.
Molecular consequence: missense variant.
Genome position (GRCh38, 1-based): chrX:53,563,789, C>G on the plus strand (G>C on the coding strand, the complement: HUWE1 is on the minus strand). VCF-style: chrX-53563789-C-G. GRCh37 (hg19) VCF-style: chrX-53590750-C-G.
Other names: short protein forms E2354D.
Identifiers: ClinVar variation 1314254 (VCV001314254.2), dbSNP rs2147709817, ClinGen allele CA413160976.